The following is an entry in ClinVar:

ClinVar aggregate classification (germline): Uncertain significance (1 of 4 stars; one submission).

Submission:

Greenwood Genetic Center Diagnostic Laboratories, Greenwood Genetic Center
Classification: Uncertain significance. Last evaluated: 2025-11-18. Review status: criteria provided, single submitter. Criteria: ACMG Guidelines, 2015. Collection method: clinical testing. Allele origin: germline. Affected: yes.
Comment: Gene of Uncertain Significance

NM_018046.5(AGGF1):c.791del (p.Ser264fs)

Gene: AGGF1 (angiogenic factor with G-patch and FHA domains 1; plus strand). Cytogenetic location: 5q13.3.
Variant type: Deletion.
Coding change: c.791del on transcript NM_018046.5 (MANE Select); coding-DNA position 791, one base deleted (C; older notation c.791delC).
Protein change: p.Ser264fs; shifts the reading frame from serine 264.
Molecular consequence: frameshift variant.
Genome position (GRCh38, 1-based): chr5:77,039,640, C deleted. VCF-style (leftmost placement, unchanged base first): chr5-77039639-TC-T. GRCh37 (hg19) VCF-style: chr5-76335464-TC-T.
Other names: short protein forms S264fs.
Identifiers: ClinVar variation 4845471 (VCV004845471.1).